The following is an entry in ClinVar:

NM_014780.5(CUL7):c.1330G>T (p.Asp444Tyr)

Gene: CUL7 (cullin 7; minus strand). Cytogenetic location: 6p21.1.
Variant type: single nucleotide variant.
Coding change: c.1330G>T on transcript NM_014780.5 (MANE Select); coding-DNA position 1330, G replaced by T.
Protein change: p.Asp444Tyr; replaces aspartic acid 444 with tyrosine.
Molecular consequence: missense variant.
Genome position (GRCh38, 1-based): chr6:43,050,302, C>A on the plus strand (G>T on the coding strand, the complement: CUL7 is on the minus strand). VCF-style: chr6-43050302-C-A. GRCh37 (hg19) VCF-style: chr6-43018040-C-A.
Other names: c.1330G>T (NM_014780.4); c.1426G>T, p.Asp476Tyr (NM_001168370.2, NM_001374872.1); c.1330G>T, p.Asp444Tyr (NM_001374873.1, NM_001374874.1); short protein forms D444Y, D476Y.
Identifiers: ClinVar variation 1935937 (VCV001935937.6), dbSNP rs141295852, ClinGen allele CA3814169.

ClinVar aggregate classification (germline): Uncertain significance. Review status: criteria provided, multiple submitters, no conflicts (2 of 4 stars). 2 submissions from 2 submitters: Uncertain significance (2). Last evaluated 2025-06-18.

Conditions:
Inborn genetic diseases. Identifiers: MedGen C0950123, MeSH D030342.

Allele frequency attached by ClinVar (database versions not stated): TOPMed below 0.00001; gnomAD 0.00001; gnomAD exomes 0.00001; ExAC 0.00002; ESP Exome Variant Server 0.00008.
gnomAD v4.1: 13 of 1,614,088 alleles (0.00081%); highest among the groups gnomAD compares: Non-Finnish European, 0.0011%; no homozygotes.

Submissions (2):

Ambry Genetics
Classification: Uncertain significance for Inborn genetic diseases. Last evaluated: 2025-06-18. Review status: criteria provided, single submitter. Criteria: Ambry Variant Classification Scheme 2023. Collection method: clinical testing. Allele origin: germline.

Labcorp Genetics (formerly Invitae), Labcorp
Classification: Uncertain significance. Last evaluated: 2022-03-27. Review status: criteria provided, single submitter. Criteria: Invitae Variant Classification Sherloc (09022015). Collection method: clinical testing. Allele origin: germline.
Comment: Algorithms developed to predict the effect of missense changes on protein structure and function are either unavailable or do not agree on the potential impact of this missense change (SIFT: "Deleterious"; PolyPhen-2: "Benign"; Align-GVGD: "Class C0"). In summary, the available evidence is currently insufficient to determine the role of this variant in disease. Therefore, it has been classified as a Variant of Uncertain Significance. This sequence change replaces aspartic acid, which is acidic and polar, with tyrosine, which is neutral and polar, at codon 444 of the CUL7 protein (p.Asp444Tyr). This variant is present in population databases (rs141295852, gnomAD 0.003%). This variant has not been reported in the literature in individuals affected with CUL7-related conditions.